The following is an entry in ClinVar:

ClinVar aggregate classification (germline): Pathogenic/Likely pathogenic. Review status: criteria provided, multiple submitters, no conflicts (2 of 4 stars). 13 submissions from 13 submitters: Pathogenic (9); Likely pathogenic (4). Last evaluated 2026-09-01.

Conditions:
Pheochromocytoma. Also called: MAX-Related Hereditary Paraganglioma-Pheochromocytoma Syndrome. Identifiers: Orphanet 29072, MedGen C0031511, MONDO:0008233, OMIM 171300, HP:0002666.
Paraganglioma. Also called: Carotid body tumor. Identifiers: MedGen C0030421, MONDO:0000448, HP:0002668.
Dilated cardiomyopathy 1GG (CMD1GG). Identifiers: Orphanet 154, MedGen C3150898, MONDO:0013339, OMIM 613642.
Mitochondrial complex II deficiency, nuclear type 1. Also called: SUCCINATE CoQ REDUCTASE DEFICIENCY. Identifiers: Orphanet 3208, MedGen C5700310, MONDO:0100294, OMIM 252011.
Pheochromocytoma/paraganglioma syndrome 5. Also called: Paragangliomas 5; SDHA-Related Hereditary Paraganglioma-Pheochromocytoma Syndrome. Identifiers: Orphanet 29072, MedGen C3279992, MONDO:0013602, OMIM 614165.
Neurodegeneration with ataxia and late-onset optic atrophy. Identifiers: MedGen C5543254, MONDO:0031006, OMIM 619259.
SDHA-related disorder. Also called: SDHA-related disorders; SDHA-related condition.
Hereditary cancer-predisposing syndrome. Also called: Hereditary neoplastic syndrome; Hereditary Cancer Syndrome; Neoplastic Syndromes, Hereditary; Tumor predisposition. Identifiers: Orphanet 140162, MedGen C0027672, MeSH D009386, MONDO:0015356.

Allele frequency attached by ClinVar (database versions not stated): gnomAD exomes below 0.00001; gnomAD 0.00001; TOPMed 0.00001.

Submissions 1 to 9 of 13:

CeGaT Center for Human Genetics Tuebingen
Classification: Likely pathogenic. Last evaluated: 2026-09-01. Review status: criteria provided, single submitter. Criteria: CeGaT Center For Human Genetics Tuebingen Variant Classification Criteria Version 2. Collection method: clinical testing. Allele origin: germline. Affected: yes. Observed: 1 variant allele.
Comment: SDHA: PVS1

PreventionGenetics, part of Exact Sciences
Classification: Pathogenic for SDHA-related condition. Last evaluated: 2026-06-01. Review status: criteria provided, single submitter. Criteria: ACMG Guidelines, 2015. Collection method: clinical testing. Allele origin: germline.
Comment: The SDHA c.1432_1432+1delGG variant is predicted to result in a deletion affecting a canonical splice site. This variant has been reported in an individual with a glomus jugularis tumor and another individual with melanoma (Table 2, van der Tuin et al. 2018. PubMed ID: 29177515; Table S7, Schrader et al. 2016. PubMed ID: 26556299). This variant is reported in 0.00088% of alleles in individuals of European (Non-Finnish) descent in gnomAD and is reported as likely pathogenic and pathogenic in ClinVar (Variation ID: 239647). Loss-of-function variants and variants that alter splicing in SDHA have been documented as causative for autosomal dominant paraganglioma-pheochromocytoma syndrome (HGMD-Human Gene Mutation Database). In summary, this variant is categorized as likely pathogenic.

Labcorp Genetics (formerly Invitae), Labcorp
Classification: Pathogenic for Pheochromocytoma/paraganglioma syndrome 5; Mitochondrial complex II deficiency, nuclear type 1. Last evaluated: 2025-12-22. Review status: criteria provided, single submitter. Criteria: Invitae Variant Classification Sherloc (09022015). Collection method: clinical testing. Allele origin: germline.
Comment: This variant results in the deletion of part of exon 10 (c.1432_1432+1del) of the SDHA gene. It is expected to disrupt RNA splicing. Variants that disrupt the donor or acceptor splice site typically lead to a loss of protein function (PMID: 16199547), and loss-of-function variants in SDHA are known to be pathogenic (PMID: 22974104, 24781757). This variant is present in population databases (no rsID available, gnomAD 0.0009%). This variant has been observed in individuals with breast cancer, paraganglioma-pheochromocytoma syndrome, and/or renal cancer (PMID: 29177515, 30877234, 32782288, 34750850; internal data). ClinVar contains an entry for this variant (Variation ID: 239647). Studies have shown that this variant is associated with inconclusive levels of altered splicing (internal data). For these reasons, this variant has been classified as Pathogenic.

GeneDx
Classification: Pathogenic. Last evaluated: 2025-04-09. Review status: criteria provided, single submitter. Criteria: GeneDx Variant Classification Process June 2021. Collection method: clinical testing. Allele origin: germline. Affected: yes.
Comment: Canonical splice site variant predicted to result in a null allele in a gene for which loss of function is a known mechanism of disease; Not observed at significant frequency in large population cohorts (gnomAD); Identified in patients with SDHA-related tumors in published literature (PMID: 29177515, 30877234, 34750850, 35053433); This variant is associated with the following publications: (PMID: 24781757, 22974104, 31263571, 16199547, 30877234, 29177515, 26556299, 34750850, 32782288, 35053433, 39133175)

Institute for Genomic Medicine (IGM) Clinical Laboratory, Nationwide Children's Hospital
Classification: Pathogenic for Pheochromocytoma/paraganglioma syndrome 5. Last evaluated: 2025-01-15. Review status: criteria provided, single submitter. Criteria: ACMG Guidelines, 2015. Collection method: clinical testing. Allele origin: germline.
Comment: This variant is predicted to result in loss of function through nonsense-mediated decay of the encoded transcript or premature truncation of the encoded protein in a gene in which loss of function is a known mechanism of disease (ACMG/AMP: PVS1; PMIDs:29978154, 29177515). This variant has been reported at an elevated frequency in affected individuals/in multiple affected individuals in the literature (ACMG/AMP: PS4; PMIDs:29177515, 30877234, 32782288, 34750850, 32534711, 35053433). This variant is absent from or present at an exceedingly low frequency in gnomAD, a large-scale control population database (ACMG/AMP: PM2).

Myriad Genetics, Inc.
Classification: Likely pathogenic for Pheochromocytoma/paraganglioma syndrome 5. Last evaluated: 2024-02-08. Review status: criteria provided, single submitter. Criteria: Myriad Autosomal Dominant, Autosomal Recessive and X-Linked Classification Criteria (2023). Collection method: clinical testing. Allele origin: unknown.
Comment: This variant is considered likely pathogenic. This variant occurs within a consensus splice junction and is predicted to result in abnormal mRNA splicing of either an out-of-frame exon or an in-frame exon necessary for protein stability and/or normal function.

Baylor Genetics
Classification: Pathogenic for Dilated cardiomyopathy 1GG. Last evaluated: 2023-12-07. Review status: criteria provided, single submitter. Criteria: ACMG Guidelines, 2015. Collection method: clinical testing. Allele origin: unknown.

Women's Health and Genetics/Laboratory Corporation of America, LabCorp
Classification: Pathogenic for Neurodegeneration with ataxia and late-onset optic atrophy. Last evaluated: 2023-12-04. Review status: criteria provided, single submitter. Criteria: LabCorp Variant Classification Summary - May 2015. Collection method: clinical testing. Allele origin: germline.
Comment: Variant summary: SDHA c.1432_1432+1delGG is located in a canonical splice-site and is predicted to affect mRNA splicing resulting in a significantly altered protein due to either exon skipping, shortening, or inclusion of intronic material. Several computational tools predict a significant impact on normal splicing: Four predict the variant abolishes a canonical 5' splicing donor site. However, these predictions have yet to be confirmed by functional studies. The variant allele was found at a frequency of 4e-06 in 251166 control chromosomes (gnomAD). c.1432_1432+1delGG has been reported in the literature in individuals affected with paraganglioma or cancers including renal cancer (van der Tuin_2018, Ben Aim_2019, Hartman_2020, Parisien-La Salle_2022). These data indicate that the variant is likely to be associated with disease. To our knowledge, no experimental evidence demonstrating an impact on protein function has been reported. The following publications have been ascertained in the context of this evaluation (PMID: 29177515, 30877234, 34750850, 32782288). Five submitters have cited clinical-significance assessments for this variant to ClinVar after 2014. All submitters classified the variant as pathogenic/likely pathogenic. Based on the evidence outlined above, the variant was classified as pathogenic.

Quest Diagnostics Nichols Institute San Juan Capistrano
Classification: Pathogenic. Last evaluated: 2023-11-16. Review status: criteria provided, single submitter. Criteria: Quest Diagnostics criteria. Collection method: clinical testing. Allele origin: unknown.
Comment: The SDHA c.1432_1432+1del (p.Gly478Glufs*17) variant alters the translational reading frame of the SDHA mRNA and causes the premature termination of SDHA protein synthesis. This variant has been reported in the published literature in individuals with head and neck PGL (PMIDs: 30877234 (2019), 29177515 (2018)), retroperitoneal PGL (PMID: 28384794 (2017)), and thoracic PGL (PMID: 34750850 (2022)). Additionally, the variant has been reported in individuals with bile duct cancer (PMID: 31263571 (2019)) and renal cancer (PMID: 32782288 (2020)). The frequency of this variant in the general population, 0.000004 (1/251166 chromosomes (Genome Aggregation Database)), is consistent with pathogenicity. Based on the available information, this variant is classified as pathogenic.

NM_004168.4(SDHA):c.1432_1432+1del

Gene: SDHA (succinate dehydrogenase complex flavoprotein subunit A; plus strand). Cytogenetic location: 5p15.33.
Variant type: Deletion.
Coding change: c.1432_1432+1del on transcript NM_004168.4 (MANE Select); coding-DNA position 1432 through the canonical splice donor site of the intron after coding-DNA position 1432, 2 bases deleted (GG; older notation c.1432_1432+1delGG).
Molecular consequence: splice donor variant.
Genome position (GRCh38, 1-based): chr5:236,599-236,600, GG deleted. VCF-style (leftmost placement, unchanged base first): chr5-236598-TGG-T. GRCh37 (hg19) VCF-style: chr5-236713-TGG-T.
Other names: c.1432_1432+1del (NM_001330758.2); c.1288_1288+1del (NM_001294332.2); c.1432_1432+1delGG (NM_004168.4).
Identifiers: ClinVar variation 239647 (VCV000239647.27), dbSNP rs878854627, ClinGen allele CA10582429.
Genomic context (GRCh38, chr5:236,598, plus strand): 5'-CTTGGACCTGGTTGTCTTTGGTCGGGCATGTGCCCTGAGCATCGAAGAGTCATGCAGGCC[TGG>T]TAAGTGTTTTCTTCAGGAGCCAGACTATTTGAGAAGGCGCAGGACGTTAGAAAGTCTTTT-3'